The following is an entry in ClinVar:

ClinVar aggregate classification (germline): Uncertain significance (1 of 4 stars; one submission).

Conditions:
Early-onset Parkinson disease 20. Also called: PARKINSON DISEASE 20, AUTOSOMAL RECESSIVE EARLY-ONSET. Identifiers: Orphanet 391411, MedGen C3809824, MONDO:0014233, OMIM 615530.
Developmental and epileptic encephalopathy, 53. Also called: Epileptic encephalopathy, early infantile, 53. Identifiers: MedGen C4479313, MONDO:0033362, OMIM 617389.

Submission:

Labcorp Genetics (formerly Invitae), Labcorp
Classification: Uncertain significance for Developmental and epileptic encephalopathy, 53; Early-onset Parkinson disease 20. Last evaluated: 2022-10-14. Review status: criteria provided, single submitter. Criteria: Invitae Variant Classification Sherloc (09022015). Collection method: clinical testing. Allele origin: germline.
Comment: ClinVar contains an entry for this variant (Variation ID: 1355465). This variant has not been reported in the literature in individuals affected with SYNJ1-related conditions. This variant is not present in population databases (gnomAD no frequency). This sequence change replaces alanine, which is neutral and non-polar, with proline, which is neutral and non-polar, at codon 529 of the SYNJ1 protein (p.Ala529Pro). Advanced modeling of protein sequence and biophysical properties (such as structural, functional, and spatial information, amino acid conservation, physicochemical variation, residue mobility, and thermodynamic stability) performed at Invitae indicates that this missense variant is expected to disrupt SYNJ1 protein function. In summary, the available evidence is currently insufficient to determine the role of this variant in disease. Therefore, it has been classified as a Variant of Uncertain Significance.

NM_203446.3(SYNJ1):c.1468G>C (p.Ala490Pro)

Gene: SYNJ1 (synaptojanin 1; minus strand). Cytogenetic location: 21q22.11.
Variant type: single nucleotide variant.
Coding change: c.1468G>C on transcript NM_203446.3 (MANE Select); coding-DNA position 1468, G replaced by C.
Protein change: p.Ala490Pro; replaces alanine 490 with proline.
Molecular consequence: missense variant.
Genome position (GRCh38, 1-based): chr21:32,678,687, C>G on the plus strand (G>C on the coding strand, the complement: SYNJ1 is on the minus strand). VCF-style: chr21-32678687-C-G. GRCh37 (hg19) VCF-style: chr21-34050997-C-G.
Other names: c.1468G>C, p.Ala490Pro (NM_001160302.2); c.1477G>C, p.Ala493Pro (NM_001160306.2); c.1585G>C, p.Ala529Pro (NM_003895.4); short protein forms A529P, A490P, A493P.
Identifiers: ClinVar variation 1355465 (VCV001355465.6), dbSNP rs2146025005, ClinGen allele CA410089181.